The following is an entry in ClinVar:

ClinVar aggregate classification (germline): Pathogenic (1 of 4 stars; one submission).

Submission:

Labcorp Genetics (formerly Invitae), Labcorp
Classification: Pathogenic. Last evaluated: 2023-06-12. Review status: criteria provided, single submitter. Criteria: Invitae Variant Classification Sherloc (09022015). Collection method: clinical testing. Allele origin: germline.
Comment: For these reasons, this variant has been classified as Pathogenic. This variant has not been reported in the literature in individuals affected with LRPPRC-related conditions. This variant is not present in population databases (gnomAD no frequency). This sequence change creates a premature translational stop signal (p.Asp1104Metfs*9) in the LRPPRC gene. It is expected to result in an absent or disrupted protein product. Loss-of-function variants in LRPPRC are known to be pathogenic (PMID: 26510951).

Literature cited by the submitters: PubMed 26510951.

NM_133259.4(LRPPRC):c.3310del (p.Asp1104fs)

Gene: LRPPRC (leucine rich pentatricopeptide repeat containing; minus strand). Cytogenetic location: 2p21.
Variant type: Deletion.
Coding change: c.3310del on transcript NM_133259.4 (MANE Select); coding-DNA position 3310, one base deleted (G; older notation c.3310delG).
Protein change: p.Asp1104fs; shifts the reading frame from aspartic acid 1104.
Molecular consequence: frameshift variant.
Genome position (GRCh38, 1-based): chr2:43,905,746, C deleted on the plus strand (G on the coding strand, the reverse complement: LRPPRC is on the minus strand). VCF-style (leftmost placement, unchanged base first): chr2-43905745-TC-T. GRCh37 (hg19) VCF-style: chr2-44132884-TC-T.
Other names: short protein forms D1104fs.
Identifiers: ClinVar variation 2712543 (VCV002712543.5), dbSNP rs1558913371, ClinGen allele CA916523790.